The following is an entry in ClinVar:

ClinVar aggregate classification (germline): Uncertain significance. Review status: criteria provided, multiple submitters, no conflicts (2 of 4 stars). 2 submissions from 2 submitters: Uncertain significance (2). Last evaluated 2025-05-15.

Conditions:
Gorlin syndrome. Also called: Basal cell nevus syndrome; Nevoid Basal Cell Carcinoma Syndrome. Identifiers: Orphanet 377, MedGen C0004779, MONDO:0007187.
Hereditary cancer-predisposing syndrome. Also called: Hereditary Cancer Syndrome; Hereditary neoplastic syndrome; Neoplastic Syndromes, Hereditary; Tumor predisposition. Identifiers: Orphanet 140162, MedGen C0027672, MeSH D009386, MONDO:0015356.

Submissions (2):

Labcorp Genetics (formerly Invitae), Labcorp
Classification: Uncertain significance for Gorlin syndrome. Last evaluated: 2025-05-15. Review status: criteria provided, single submitter. Criteria: Invitae Variant Classification Sherloc (09022015). Collection method: clinical testing. Allele origin: germline.
Comment: This sequence change replaces asparagine, which is neutral and polar, with lysine, which is basic and polar, at codon 1049 of the PTCH1 protein (p.Asn1049Lys). This variant is not present in population databases (gnomAD no frequency). This variant has not been reported in the literature in individuals affected with PTCH1-related conditions. ClinVar contains an entry for this variant (Variation ID: 3427289). Invitae Evidence Modeling of protein sequence and biophysical properties (such as structural, functional, and spatial information, amino acid conservation, physicochemical variation, residue mobility, and thermodynamic stability) has been performed for this missense variant. However, the output from this modeling did not meet the statistical confidence thresholds required to predict the impact of this variant on PTCH1 protein function. In summary, the available evidence is currently insufficient to determine the role of this variant in disease. Therefore, it has been classified as a Variant of Uncertain Significance.

Ambry Genetics
Classification: Uncertain significance for Hereditary cancer-predisposing syndrome. Last evaluated: 2024-09-30. Review status: criteria provided, single submitter. Criteria: Ambry Variant Classification Scheme 2023. Collection method: clinical testing. Allele origin: germline.
Comment: The p.N1049K variant (also known as c.3147C>A), located in coding exon 18 of the PTCH1 gene, results from a C to A substitution at nucleotide position 3147. The asparagine at codon 1049 is replaced by lysine, an amino acid with similar properties. This amino acid position is conserved. In addition, the in silico prediction for this alteration is inconclusive. Based on the available evidence, the clinical significance of this variant remains unclear.

NM_000264.5(PTCH1):c.3147C>A (p.Asn1049Lys)

Gene: PTCH1 (patched 1; minus strand). Cytogenetic location: 9q22.32.
Variant type: single nucleotide variant.
Coding change: c.3147C>A on transcript NM_000264.5 (MANE Select); coding-DNA position 3147, C replaced by A.
Protein change: p.Asn1049Lys; replaces asparagine 1049 with lysine.
Molecular consequence: missense variant. On other transcripts: non-coding transcript variant (1).
Genome position (GRCh38, 1-based): chr9:95,458,034, G>T on the plus strand (C>A on the coding strand, the complement: PTCH1 is on the minus strand). VCF-style: chr9-95458034-G-T. GRCh37 (hg19) VCF-style: chr9-98220316-G-T.
Other names: c.2949C>A, p.Asn983Lys (NM_001083602.3); c.3144C>A, p.Asn1048Lys (NM_001083603.3); c.2694C>A, p.Asn898Lys (NM_001083604.3, NM_001083605.3, NM_001083606.3 and 1 more transcripts); c.2991C>A, p.Asn997Lys (NM_001354918.2); short protein forms N983K, N997K, N1048K, N1049K, N898K.
Identifiers: ClinVar variation 3427289 (VCV003427289.2).